The following is an entry in ClinVar:

NM_001083962.2(TCF4):c.1147-2A>G

Gene: TCF4 (transcription factor 4; minus strand). Cytogenetic location: 18q21.2.
Variant type: single nucleotide variant.
Coding change: c.1147-2A>G on transcript NM_001083962.2 (MANE Select); the canonical splice acceptor site of the intron before coding-DNA position 1147, A replaced by G.
Molecular consequence: splice acceptor variant.
Genome position (GRCh38, 1-based): chr18:55,254,702, T>C on the plus strand (A>G on the coding strand, the complement: TCF4 is on the minus strand). VCF-style: chr18-55254702-T-C. GRCh37 (hg19) VCF-style: chr18-52921933-T-C.
Other names: c.499-2A>G (NM_001348215.2); c.667-2A>G (NM_001243236.2, NM_001348216.2, NM_001243235.2 and 1 more transcripts); c.1072-2A>G (NM_001348220.1, NM_001369584.1, NM_001369576.1 and 6 more transcripts); c.1075-2A>G (NM_001306207.1, NM_001348217.1, NM_001369582.1 and 5 more transcripts); c.934-2A>G (NM_001306208.1, NM_001243232.1); c.1453-2A>G (NM_001243226.3); c.1078-2A>G (NM_001369586.1); c.1147-2A>G (NM_001369571.1, NM_001369567.1, NM_001369572.1 and 2 more transcripts); and 6 more.
Identifiers: ClinVar variation 1347837 (VCV001347837.8), dbSNP rs2145503668, ClinGen allele CA402533994.

ClinVar aggregate classification (germline): Likely pathogenic (1 of 4 stars; one submission).

Conditions:
Pitt-Hopkins syndrome (PTHS). Also called: MENTAL RETARDATION, SYNDROMAL, WITH INTERMITTENT HYPERVENTILATION; ENCEPHALOPATHY, SEVERE EPILEPTIC, WITH AUTONOMIC DYSFUNCTION. Identifiers: Orphanet 2896, MedGen C1970431, MONDO:0012589, OMIM 610954.

Submission:

Labcorp Genetics (formerly Invitae), Labcorp
Classification: Likely pathogenic for Pitt-Hopkins syndrome. Last evaluated: 2021-04-10. Review status: criteria provided, single submitter. Criteria: Invitae Variant Classification Sherloc (09022015). Collection method: clinical testing. Allele origin: germline.
Comment: This variant has been observed in individual(s) with clinical features of TCF4-related conditions (Invitae). In summary, the currently available evidence indicates that the variant is pathogenic, but additional data are needed to prove that conclusively. Therefore, this variant has been classified as Likely Pathogenic. Algorithms developed to predict the effect of sequence changes on RNA splicing suggest that this variant may disrupt the consensus splice site, but this prediction has not been confirmed by published transcriptional studies. This variant is not present in population databases (ExAC no frequency). This sequence change affects an acceptor splice site in intron 14 of the TCF4 gene. It is expected to disrupt RNA splicing. Variants that disrupt the donor or acceptor splice site typically lead to a loss of protein function (PMID: 16199547), and loss-of-function variants in TCF4 are known to be pathogenic (PMID: 18728071, 22045651).

Literature cited by the submitters: PubMed 16199547; PubMed 18728071; PubMed 22045651.